The following is an entry in ClinVar:

NM_022041.4(GAN):c.1184A>G (p.Asp395Gly)

Gene: GAN (gigaxonin; plus strand). Cytogenetic location: 16q23.2.
Variant type: single nucleotide variant.
Coding change: c.1184A>G on transcript NM_022041.4 (MANE Select); coding-DNA position 1184, A replaced by G.
Protein change: p.Asp395Gly; replaces aspartic acid 395 with glycine.
Molecular consequence: missense variant.
Genome position (GRCh38, 1-based): chr16:81,363,891, A>G. VCF-style: chr16-81363891-A-G. GRCh37 (hg19) VCF-style: chr16-81397496-A-G.
Other names: c.545A>G, p.Asp182Gly (NM_001377486.1); short protein forms D182G, D395G.
Identifiers: ClinVar variation 1742924 (VCV001742924.2), dbSNP rs2507747104, ClinGen allele CA396890657.

ClinVar aggregate classification (germline): Uncertain significance (1 of 4 stars; one submission).

Conditions:
Inborn genetic diseases. Identifiers: MedGen C0950123, MeSH D030342.

Submission:

Ambry Genetics
Classification: Uncertain significance for Inborn genetic diseases. Last evaluated: 2021-07-29. Review status: criteria provided, single submitter. Criteria: Ambry Variant Classification Scheme 2023. Collection method: clinical testing. Allele origin: germline.
Comment: The p.D395G variant (also known as c.1184A>G), located in coding exon 7 of the GAN gene, results from an A to G substitution at nucleotide position 1184. The aspartic acid at codon 395 is replaced by glycine, an amino acid with similar properties. This amino acid position is conserved. In addition, this alteration is predicted to be deleterious by in silico analysis. Since supporting evidence is limited at this time, the clinical significance of this alteration remains unclear.